The following is an entry in ClinVar:

ClinVar aggregate classification (germline): Uncertain significance (1 of 4 stars; one submission).

Conditions:
Renal cell carcinoma. Identifiers: Orphanet 217071, MedGen C0007134, MeSH D002292, MONDO:0005086, HP:0005584.

Allele frequency attached by ClinVar (database versions not stated): gnomAD exomes below 0.00001.

Submission:

Labcorp Genetics (formerly Invitae), Labcorp
Classification: Uncertain significance for Renal cell carcinoma. Last evaluated: 2022-06-12. Review status: criteria provided, single submitter. Criteria: Invitae Variant Classification Sherloc (09022015). Collection method: clinical testing. Allele origin: germline.
Comment: In summary, the available evidence is currently insufficient to determine the role of this variant in disease. Therefore, it has been classified as a Variant of Uncertain Significance. Algorithms developed to predict the effect of missense changes on protein structure and function output the following: SIFT: "Tolerated"; PolyPhen-2: "Benign"; Align-GVGD: "Class C0". The valine amino acid residue is found in multiple mammalian species, which suggests that this missense change does not adversely affect protein function. This variant has not been reported in the literature in individuals affected with MET-related conditions. This variant is not present in population databases (gnomAD no frequency). This sequence change replaces isoleucine, which is neutral and non-polar, with valine, which is neutral and non-polar, at codon 716 of the MET protein (p.Ile716Val).

NM_000245.4(MET):c.2146A>G (p.Ile716Val)

Gene: MET (MET proto-oncogene, receptor tyrosine kinase; plus strand). Cytogenetic location: 7q31.2.
Variant type: single nucleotide variant.
Coding change: c.2146A>G on transcript NM_000245.4 (MANE Select); coding-DNA position 2146, A replaced by G.
Protein change: p.Ile716Val; replaces isoleucine 716 with valine.
Molecular consequence: missense variant.
Genome position (GRCh38, 1-based): chr7:116,758,502, A>G. VCF-style: chr7-116758502-A-G. GRCh37 (hg19) VCF-style: chr7-116398556-A-G.
Other names: c.2146A>G, p.Ile716Val (NM_001127500.3, NM_001324401.3); c.856A>G, p.Ile286Val (NM_001324402.2); short protein forms I286V, I716V.
Identifiers: ClinVar variation 1961079 (VCV001961079.5), dbSNP rs2485720054, ClinGen allele CA368980526.
Genomic context (GRCh38, chr7:116,758,502, plus strand): 5'-TAATTTTTTTTGTTCAGTGTGTCAAACAGTATTCTTGAATGTTATACCCCAGCCCAAACC[A>G]TTTCAACTGAGTTTGCTGTTAAATTGAAAATTGACTTAGCCAACCGAGAGACAAGCATCT-3'
Protein context (NP_000236.2, residues 706-726): ILECYTPAQT[Ile716Val]STEFAVKLKI